The following is an entry in ClinVar:

NM_017654.4(SAMD9):c.529T>G (p.Leu177Val)

Gene: SAMD9 (sterile alpha motif domain containing 9; minus strand). Cytogenetic location: 7q21.2.
Variant type: single nucleotide variant.
Coding change: c.529T>G on transcript NM_017654.4 (MANE Select); coding-DNA position 529, T replaced by G.
Protein change: p.Leu177Val; replaces leucine 177 with valine.
Molecular consequence: missense variant.
Genome position (GRCh38, 1-based): chr7:93,105,569, A>C on the plus strand (T>G on the coding strand, the complement: SAMD9 is on the minus strand). VCF-style: chr7-93105569-A-C. GRCh37 (hg19) VCF-style: chr7-92734882-A-C.
Other names: c.529T>G, p.Leu177Val (NM_001193307.2); short protein forms L177V.
Identifiers: ClinVar variation 3949720 (VCV003949720.1).

ClinVar aggregate classification (germline): Uncertain significance (1 of 4 stars; one submission).

Conditions:
Inborn genetic diseases. Identifiers: MedGen C0950123, MeSH D030342.

Submission:

Ambry Genetics
Classification: Uncertain significance for Inborn genetic diseases. Last evaluated: 2025-06-09. Review status: criteria provided, single submitter. Criteria: Ambry Variant Classification Scheme 2023. Collection method: clinical testing. Allele origin: germline.
Comment: The p.L177V variant (also known as c.529T>G), located in coding exon 1 of the SAMD9 gene, results from a T to G substitution at nucleotide position 529. The leucine at codon 177 is replaced by valine, an amino acid with highly similar properties. This amino acid position is conserved. In addition, this alteration is predicted to be tolerated by in silico analysis. Based on the available evidence, the clinical significance of this variant remains unclear.